The following is an entry in ClinVar:

NM_001286577.2(C2CD3):c.81A>C (p.Thr27=)

Gene: C2CD3 (C2 domain containing 3 centriole elongation regulator; minus strand). Cytogenetic location: 11q13.4.
Variant type: single nucleotide variant.
Coding change: c.81A>C on transcript NM_001286577.2 (MANE Select); coding-DNA position 81, A replaced by C.
Protein change: p.Thr27=; no amino-acid change (threonine 27 retained).
Molecular consequence: synonymous variant.
Genome position (GRCh38, 1-based): chr11:74,168,588, T>G on the plus strand (A>C on the coding strand, the complement: C2CD3 is on the minus strand). VCF-style: chr11-74168588-T-G. GRCh37 (hg19) VCF-style: chr11-73879633-T-G.
Other names: c.81A>C, p.Thr27= (NM_015531.6); c.81A>C (NM_015531.5).
Identifiers: ClinVar variation 1502581 (VCV001502581.10), dbSNP rs753823050, ClinGen allele CA6183314.
Genomic context (GRCh38, chr11:74,168,588, plus strand): 5'-TCTATTAACAGTAAGTTTTAGAAAACAGCGTAGCTGGCCTTCAACCAGAGGTGGCAGGCT[T>G]GTAGATGGAGAAATGTCACTTAAACCTGTAGAGGAATCCAAGAAAACTGAGTCAAAATTT-3'
Protein context (NP_001273506.1, residues 17-37): KRGLSDISPS[Thr27=]SLPPLVEGQL

ClinVar aggregate classification (germline): Likely benign. Review status: criteria provided, single submitter (1 of 4 stars). 2 submissions from 2 submitters: Likely benign (1). 1 of the submissions does not count toward it. Last evaluated 2023-10-18.

Conditions:
C2CD3-related disorder. Also called: C2CD3-related condition.

Allele frequency attached by ClinVar (database versions not stated): gnomAD 0.00001; TOPMed 0.00001; ExAC 0.00004; gnomAD exomes 0.00007.
gnomAD v4.1: 20 of 1,614,016 alleles (0.0012%); highest among the groups gnomAD compares: Admixed American, 0.033%; no homozygotes.

Submissions (2):

Labcorp Genetics (formerly Invitae), Labcorp
Classification: Likely benign. Last evaluated: 2023-10-18. Review status: criteria provided, single submitter. Criteria: Invitae Variant Classification Sherloc (09022015). Collection method: clinical testing. Allele origin: germline.

PreventionGenetics, part of Exact Sciences
Classification: Likely benign for C2CD3-related condition. Last evaluated: 2019-05-03. Review status: no assertion criteria provided. Collection method: clinical testing. Allele origin: germline. Not counted in ClinVar's aggregate classification.
Comment: This variant is classified as likely benign based on ACMG/AMP sequence variant interpretation guidelines (Richards et al. 2015 PMID: 25741868, with internal and published modifications).